The following is an entry in ClinVar:

NM_001374828.1(ARID1B):c.908_909delinsAT (p.Gly303Asp)

Genes: ARID1B (AT-rich interaction domain 1B; plus strand), LOC129997525 (ATAC-STARR-seq lymphoblastoid silent region 17712; plus strand). Cytogenetic location: 6q25.3.
Variant type: Indel.
Coding change: c.908_909delinsAT on transcript NM_001374828.1 (MANE Select); coding-DNA positions 908 to 909, GC replaced by AT.
Protein change: p.Gly303Asp; replaces glycine 303 with aspartic acid.
Molecular consequence: missense variant.
Genome position (GRCh38, 1-based): chr6:156,778,588-156,778,589, GC replaced by AT. VCF-style: chr6-156778588-GC-AT. GRCh37 (hg19) VCF-style: chr6-157099722-GC-AT.
Other names: c.659_660delGCinsAT, p.Gly220Asp (NM_001346813.1, NM_020732.3); c.908_909delinsAT, p.Gly303Asp (NM_001371656.1, NM_001374820.1, NM_017519.3); c.485_486delGCinsAT, p.Gly162Asp (NM_175863.2); short protein forms G303D, G162D, G220D.
Identifiers: ClinVar variation 2969509 (VCV002969509.3), dbSNP rs2546828357, ClinGen allele CA2740091530.

ClinVar aggregate classification (germline): Uncertain significance (1 of 4 stars; one submission).

Submission:

Labcorp Genetics (formerly Invitae), Labcorp
Classification: Uncertain significance. Last evaluated: 2023-06-15. Review status: criteria provided, single submitter. Criteria: Invitae Variant Classification Sherloc (09022015). Collection method: clinical testing. Allele origin: germline.
Comment: This sequence change replaces glycine, which is neutral and non-polar, with aspartic acid, which is acidic and polar, at codon 220 of the ARID1B protein (p.Gly220Asp). The frequency data for this variant in the population databases is considered unreliable, as metrics indicate insufficient coverage at this position in the gnomAD database. This variant has not been reported in the literature in individuals affected with ARID1B-related conditions. Experimental studies and prediction algorithms are not available or were not evaluated, and the functional significance of this variant is currently unknown. In summary, the available evidence is currently insufficient to determine the role of this variant in disease. Therefore, it has been classified as a Variant of Uncertain Significance.